The following is an entry in ClinVar:

ClinVar aggregate classification (germline): Likely benign (1 of 4 stars; one submission).

Conditions:
SEMA3F-related disorder. Also called: SEMA3F-related condition.

gnomAD v4.1: 5 of 1,611,814 alleles (0.00031%); highest among the groups gnomAD compares: Non-Finnish European, 0.00034%; no homozygotes.

Submission:

PreventionGenetics, part of Exact Sciences
Classification: Likely benign for SEMA3F-related condition. Last evaluated: 2026-04-06. Review status: criteria provided, single submitter. Criteria: ACMG Guidelines, 2015. Collection method: clinical testing. Allele origin: germline.
Comment: This variant is classified as likely benign based on ACMG/AMP sequence variant interpretation guidelines (Richards et al. 2015 PMID: 25741868, with internal and published modifications).

NM_004186.5(SEMA3F):c.643+3G>A

Gene: SEMA3F (semaphorin 3F; plus strand). Cytogenetic location: 3p21.31.
Variant type: single nucleotide variant.
Coding change: c.643+3G>A on transcript NM_004186.5 (MANE Select); 3 bases into the intron after coding-DNA position 643, G replaced by A.
Molecular consequence: intron variant.
Genome position (GRCh38, 1-based): chr3:50,176,864, G>A. VCF-style: chr3-50176864-G-A. GRCh37 (hg19) VCF-style: chr3-50214297-G-A.
Other names: c.346+3G>A (NM_001318798.2); c.550+3G>A (NM_001318800.2).
Identifiers: ClinVar variation 4998371 (VCV004998371.1).